The following is an entry in ClinVar:

NM_014714.4(IFT140):c.634G>A (p.Gly212Arg)

Genes: IFT140 (intraflagellar transport 140; minus strand), LOC105371046 (uncharacterized LOC105371046; plus strand). Cytogenetic location: 16p13.3.
Variant type: single nucleotide variant.
Coding change: c.634G>A on transcript NM_014714.4 (MANE Select); coding-DNA position 634, G replaced by A.
Protein change: p.Gly212Arg; replaces glycine 212 with arginine.
Molecular consequence: missense variant.
Genome position (GRCh38, 1-based): chr16:1,592,176, C>T on the plus strand (G>A on the coding strand, the complement: IFT140 is on the minus strand). VCF-style: chr16-1592176-C-T. GRCh37 (hg19) VCF-style: chr16-1642177-C-T.
Other names: short protein forms G212R.
Identifiers: ClinVar variation 31683 (VCV000031683.57), dbSNP rs201188361, ClinGen allele CA129889.
Genomic context (GRCh38, chr16:1,592,176, plus strand): 5'-TCCCTACCAGACACCCCTAAAATGCTAGGACCCCTGAGAATCACAACCAAAGTTCCTCAC[C>T]GTCCATCAGACTGACAAAGAACAACAGCCCCTCGTGAGACCCCATCTTCAGCAAACTTCC-3'
Protein context (NP_055529.2, residues 202-222): GLLFFVSLMD[Gly212Arg]TVHYVDEKGK

ClinVar aggregate classification (germline): Pathogenic/Likely pathogenic. Review status: criteria provided, multiple submitters, no conflicts (2 of 4 stars). 19 submissions from 17 submitters: Pathogenic (11); Likely pathogenic (2). 6 of the submissions do not count toward it. Last evaluated 2026-08-04.

Conditions:
IFT140-related disorder. Also called: IFT140-related condition.
Retinal ciliopathy due to mutation in the retinitis pigmentosa-1 gene. Identifiers: Orphanet 156168, MedGen C5679609, MONDO:0022397.
IFT140-related disorders.
Saldino-Mainzer syndrome (SRTD9). Also called: SHORT-RIB THORACIC DYSPLASIA 9 WITHOUT POLYDACTYLY; Renal dysplasia, retinal pigmentary dystrophy, cerebellar ataxia and skeletal dysplasia; short-rib thoracic dysplasia 9 with or without polydactyly; CONORENAL SYNDROME. Identifiers: Orphanet 140969, MedGen C1849437, MONDO:0009964, OMIM 266920.
Retinitis pigmentosa 80 (RP80). Identifiers: MedGen C4540439, MONDO:0054708, OMIM 617781.
Nephronophthisis. Also called: Juvenile Nephronophthisis. Identifiers: Orphanet 655, MedGen C0687120, MONDO:0019005, HP:0000090.
Jeune thoracic dystrophy. Also called: Jeune syndrome; Infantile thoracic dystrophy; Thoracic pelvic phalangeal dystrophy; Jeune's syndrome; Chondroectodermal dysplasia-like syndrome; Short-rib thoracic dysplasia. Identifiers: Orphanet 474, MedGen C0265275, MONDO:0018770.
Retinal disorder. Also called: Retinal disorders; Retinopathy; Retinopathies; Retinal Diseases. Identifiers: MedGen C0035309, MONDO:0005283, HP:0000488.

Allele frequency attached by ClinVar (database versions not stated): ExAC 0.00004; gnomAD 0.00008 and 0.00009; TOPMed 0.00008; gnomAD exomes 0.00010; ESP Exome Variant Server 0.00015.
gnomAD v4.1: 167 of 1,614,024 alleles (0.01%); highest among the groups gnomAD compares: Middle Eastern, 0.016%; no homozygotes.

Submissions 1 to 11 of 19:

PreventionGenetics, part of Exact Sciences
Classification: Pathogenic for IFT140-related condition. Last evaluated: 2026-08-04. Review status: criteria provided, single submitter. Criteria: ACMG Guidelines, 2015. Collection method: clinical testing. Allele origin: germline.
Comment: The IFT140 c.634G>A variant is predicted to result in the amino acid substitution p.Gly212Arg. This variant has been reported in multiple individuals with IFT140-related ciliopathy (for examples, see Perrault et al. 2012. PubMed ID: 22503633; Bayat et al. 2017. PubMed ID: 28288023). With a second pathogenic variant on the opposite chromosome (in trans), the variant was documented to be causative for Mainzer-Saldino Syndrome and Jeune Syndrome in an adult patient and a child patient, respectively (Perrault et al. 2012. PubMed: 22503633). It has also been found in the compound heterozygous state in an individual with cleft palate (Wilson et al. 2023. PubMed ID: 37010288). This nucleotide change is located at the last base of exon 6 and is predicted to significantly weaken the nearby normal splice donor site signal (Alamut Visual Plus v1.6.1; SpliceAI, Jaganathan et al. 2019. PubMed ID: 30661751); and this variant has been shown to disrupt splicing in an in vivo model, leading to loss of function (Helm et al. 2017. PubMed ID: 28724397). This variant is reported in 0.0093% of alleles in individuals of European (Non-Finnish) descent in gnomAD. This variant is interpreted as pathogenic for both autosomal dominant and recessive IFT140-related disorders.

MVZ Medizinische Genetik Mainz
Classification: Pathogenic for Saldino-Mainzer syndrome. Last evaluated: 2026-01-30. Review status: criteria provided, single submitter. Criteria: UK Practice Guidelines For Variant Classification V4 01 2020. Collection method: clinical testing. Allele origin: germline. Inheritance: Autosomal recessive inheritance. Affected: yes. Observed: 1 variant allele.

Labcorp Genetics (formerly Invitae), Labcorp
Classification: Pathogenic for Saldino-Mainzer syndrome. Last evaluated: 2026-01-14. Review status: criteria provided, single submitter. Criteria: Invitae Variant Classification Sherloc (09022015). Collection method: clinical testing. Allele origin: germline.
Comment: This sequence change replaces glycine, which is neutral and non-polar, with arginine, which is basic and polar, at codon 212 of the IFT140 protein (p.Gly212Arg). This variant also falls at the last nucleotide of exon 6, which is part of the consensus splice site for this exon. This variant is present in population databases (rs201188361, gnomAD 0.009%). This missense change has been observed in individual(s) with Mainzer-Saldino syndrome, Jeune synrome, or Senior-Loken syndrome (PMID: 22503633, 28559085, 28724397). In at least one individual the data is consistent with being in trans (on the opposite chromosome) from a pathogenic variant. ClinVar contains an entry for this variant (Variation ID: 31683). An algorithm developed to predict the effect of missense changes on protein structure and function (PolyPhen-2) suggests that this variant is likely to be disruptive. Experimental studies have shown that this missense change affects IFT140 function (PMID: 22503633, 28724397). Variants that disrupt the consensus splice site are a relatively common cause of aberrant splicing (PMID: 17576681, 9536098). Algorithms developed to predict the effect of sequence changes on RNA splicing suggest that this variant may disrupt the consensus splice site. For these reasons, this variant has been classified as Pathogenic.

Genetics Laboratory, Great Ormond Street Hospital NHS Foundation Trust, North Thames Genomic Laboratory Hub
Classification: Likely pathogenic for Retinal disorders. Last evaluated: 2025-12-01. Review status: criteria provided, single submitter. Criteria: ACGS Best Practice Guidelines for Variant Classification in Rare Disease 2024 v1.2. Collection method: clinical testing. Allele origin: germline. Affected: yes.
Comment: PM2_moderate, PP3_supporting, PS3_moderate, PM3_moderate

Blueprint Genetics
Classification: Pathogenic for IFT140-related disorders. Last evaluated: 2024-08-12. Review status: criteria provided, single submitter. Criteria: ACMG Guidelines, 2015. Collection method: clinical testing. Allele origin: germline. Affected: yes. Observed: 5 variant alleles.

Fulgent Genetics
Classification: Pathogenic for Saldino-Mainzer syndrome; Retinitis pigmentosa 80. Last evaluated: 2024-03-02. Review status: criteria provided, single submitter. Criteria: ACMG Guidelines, 2015. Collection method: clinical testing. Allele origin: germline.

CeGaT Center for Human Genetics Tuebingen
Classification: Pathogenic. Last evaluated: 2023-09-01. Review status: criteria provided, single submitter. Criteria: CeGaT Center For Human Genetics Tuebingen Variant Classification Criteria Version 2. Collection method: clinical testing. Allele origin: germline. Affected: yes. Observed: 1 variant allele.
Comment: IFT140: PM3:Very Strong, PM2, PP3

Revvity Omics, Revvity
Classification: Pathogenic. Last evaluated: 2022-07-15. Review status: criteria provided, single submitter. Criteria: ACMG Guidelines, 2015. Collection method: clinical testing. Allele origin: germline.

GeneDx
Classification: Pathogenic. Last evaluated: 2022-04-01. Review status: criteria provided, single submitter. Criteria: GeneDx Variant Classification Process June 2021. Collection method: clinical testing. Allele origin: germline. Affected: yes.
Comment: Published functional studies demonstrate a damaging effect (Perrault et al., 2012; Helm et al., 2017); Variant impacting the last nucleotide of an exon in a gene for which loss-of-function is a known mechanism of disease, and splice predictors support a deleterious effect; This variant is associated with the following publications: (PMID: 30924848, 29068549, 30773290, 28724397, 29688594, 28559085, 32371413, 28288023, 22503633, 31589614)

Illumina Laboratory Services, Illumina
Classification: Likely pathogenic for Saldino-Mainzer syndrome. Last evaluated: 2019-01-10. Review status: criteria provided, single submitter. Criteria: ICSL Variant Classification Criteria 09 May 2019. Collection method: clinical testing. Allele origin: germline.
Comment: The IFT140 c.634G>A (p.Gly212Arg) variant has been reported in two studies and was found in four probands, including one sibling-pair, one in a homozygous state and three in a compound heterozygous state (Perrault et al. 2012; Helm et al. 2017). One of these probands, who carried the splice-site mutation on the other allele, was clinically diagnosed with Jeune syndrome. Jeune syndrome has overlapping symptoms with Mainzer-Saldino syndrome with the additional phenotype of asphyxiating thoracic dystrophy. The p.Gly212Arg variant is reported at a frequency of 0.000095 in the European (non-Finnish) population of the Genome Aggregation Database. In vitro studies of the p.Gly212Arg variant in retinal pigment epithelial cells showed changes to the cellular localization of the variant protein (Perrault et al. 2012). In vitro analysis in lymphocyte cells found that the p.Gly212Arg variant affected splicing of exon 6 (Helm et al. 2017). Based on the evidence, the p.Gly212Arg variant is classified as likely pathogenic for Mainzer-Saldino syndrome. This variant was observed by ICSL as part of a predisposition screen in an ostensibly healthy population.

Institute for Genomic Medicine (IGM) Clinical Laboratory, Nationwide Children's Hospital
Classification: Pathogenic for Saldino-Mainzer syndrome; Retinitis pigmentosa 80. Last evaluated: 2018-01-31. Review status: criteria provided, single submitter. Criteria: ACMG Guidelines, 2015. Collection method: clinical testing. Allele origin: germline. Affected: yes.
Comment: [ACMG/AMP: PVS1, PS3, PM2, PM3, PP3, PP5] This alteration is a null variant in a gene where LOF is a known mechanism of disease [PVS1], is supported by well-established in vitro or in vivo functional studies to have a damaging effect on protein function or splicing [PS3], is absent from or rarely observed in large-scale population databases [PM2], is detected in trans with a known pathogenic variant [PM3], is predicted to be damaging by multiple functional prediction tools [PP3], was reported as a pathogenic/likely pathogenic alteration by a reputable source (ClinVar or other correspondence from a clinical testing laboratory) [PP5].